The following is an entry in ClinVar:

NM_005732.4(RAD50):c.2371G>C (p.Asp791His)

Gene: RAD50 (RAD50 double strand break repair protein; plus strand). Cytogenetic location: 5q31.1.
Variant type: single nucleotide variant.
Coding change: c.2371G>C on transcript NM_005732.4 (MANE Select); coding-DNA position 2371, G replaced by C.
Protein change: p.Asp791His; replaces aspartic acid 791 with histidine.
Molecular consequence: missense variant.
Genome position (GRCh38, 1-based): chr5:132,603,463, G>C. VCF-style: chr5-132603463-G-C. GRCh37 (hg19) VCF-style: chr5-131939155-G-C.
Other names: short protein forms D791H.
Identifiers: ClinVar variation 3429528 (VCV003429528.1).

ClinVar aggregate classification (germline): Uncertain significance (1 of 4 stars; one submission).

Conditions:
Hereditary cancer-predisposing syndrome. Also called: Neoplastic Syndromes, Hereditary; Tumor predisposition; Hereditary Cancer Syndrome; Hereditary neoplastic syndrome. Identifiers: Orphanet 140162, MedGen C0027672, MeSH D009386, MONDO:0015356.

Submission:

Ambry Genetics
Classification: Uncertain significance for Hereditary cancer-predisposing syndrome. Last evaluated: 2024-11-16. Review status: criteria provided, single submitter. Criteria: Ambry Variant Classification Scheme 2023. Collection method: clinical testing. Allele origin: germline.
Comment: The p.D791H variant (also known as c.2371G>C), located in coding exon 14 of the RAD50 gene, results from a G to C substitution at nucleotide position 2371. The aspartic acid at codon 791 is replaced by histidine, an amino acid with similar properties. This amino acid position is conserved. In addition, this alteration is predicted to be deleterious by in silico analysis. Based on the available evidence, the clinical significance of this variant remains unclear.